The following is an entry in ClinVar:

ClinVar aggregate classification (germline): Uncertain significance (1 of 4 stars; one submission).

gnomAD v4.1: 15 of 1,614,002 alleles (0.00093%); highest among the groups gnomAD compares: Admixed American, 0.015%; no homozygotes.

Submission:

Labcorp Genetics (formerly Invitae), Labcorp
Classification: Uncertain significance. Last evaluated: 2026-02-02. Review status: criteria provided, single submitter. Criteria: Invitae Variant Classification Sherloc (09022015). Collection method: clinical testing. Allele origin: germline.
Comment: This sequence change replaces threonine, which is neutral and polar, with serine, which is neutral and polar, at codon 25 of the IL18BP protein (p.Thr25Ser). This variant is present in population databases (rs765917866, gnomAD 0.02%). This variant has not been reported in the literature in individuals affected with IL18BP-related conditions. ClinVar contains an entry for this variant (Variation ID: 3697455). An algorithm developed to predict the effect of missense changes on protein structure and function outputs the following: PolyPhen-2: "Benign". The serine amino acid residue is found in multiple mammalian species, which suggests that this missense change does not adversely affect protein function. In summary, the available evidence is currently insufficient to determine the role of this variant in disease. Therefore, it has been classified as a Variant of Uncertain Significance.

NM_001039660.2(IL18BP):c.74C>G (p.Thr25Ser)

Gene: IL18BP (interleukin 18 binding protein; plus strand). Cytogenetic location: 11q13.4.
Variant type: single nucleotide variant.
Coding change: c.74C>G on transcript NM_001039660.2 (MANE Select); coding-DNA position 74, C replaced by G.
Protein change: p.Thr25Ser; replaces threonine 25 with serine.
Molecular consequence: missense variant.
Genome position (GRCh38, 1-based): chr11:72,000,396, C>G. VCF-style: chr11-72000396-C-G. GRCh37 (hg19) VCF-style: chr11-71711442-C-G.
Other names: c.74C>G, p.Thr25Ser (NM_001039659.2, NM_001145055.1, NM_001145057.1 and 3 more transcripts); short protein forms T25S.
Identifiers: ClinVar variation 3697455 (VCV003697455.2).